The following is an entry in ClinVar:

NM_006015.6(ARID1A):c.48GCC[3] (p.Pro20_Pro21del)

Gene: ARID1A (AT-rich interaction domain 1A; plus strand). Cytogenetic location: 1p36.11.
Variant type: Microsatellite.
Coding change: c.48GCC[3] on transcript NM_006015.6 (MANE Select); three copies in a row of the 3-base unit GCC starting at c.48; the reference has five copies in a row; two copies, 6 bases deleted.
Protein change: p.Pro20_Pro21del.
Molecular consequence: inframe deletion.
Genome position (GRCh38, 1-based): chr1:26,696,460-26,696,465, GCCGCC deleted; deleting any 6 consecutive bases within chr1:26,696,449-26,696,465 gives the same sequence; the position shown is the placement nearest the transcript's 3' end. VCF-style (leftmost placement, unchanged base first): chr1-26696448-CCCGCCG-C. GRCh37 (hg19) VCF-style: chr1-27022939-CCCGCCG-C.
Other names: c.48GCC[3], p.Pro20_Pro21del (NM_139135.4).
Identifiers: ClinVar variation 1700510 (VCV001700510.2), dbSNP rs748085214, ClinGen allele CA19640294.

ClinVar aggregate classification (germline): Likely benign (1 of 4 stars; one submission).

Submission:

GeneDx
Classification: Likely benign. Last evaluated: 2022-07-11. Review status: criteria provided, single submitter. Criteria: GeneDx Variant Classification Process June 2021. Collection method: clinical testing. Allele origin: germline. Affected: yes.
Comment: See Variant Classification Assertion Criteria.